The following is an entry in ClinVar:

ClinVar aggregate classification (germline): Uncertain significance (1 of 4 stars; one submission).

Conditions:
Bailey-Bloch congenital myopathy (CMYO13). Also called: Native American myopathy; STAC3 disorder; Congenital myopathy 13. Identifiers: Orphanet 168572, MedGen C1850625, MONDO:0009722, OMIM 255995.

Allele frequency attached by ClinVar (database versions not stated): gnomAD exomes below 0.00001; ExAC 0.00001; TOPMed 0.00001.

Submission:

Labcorp Genetics (formerly Invitae), Labcorp
Classification: Uncertain significance for Bailey-Bloch congenital myopathy. Last evaluated: 2022-07-18. Review status: criteria provided, single submitter. Criteria: Invitae Variant Classification Sherloc (09022015). Collection method: clinical testing. Allele origin: germline.
Comment: This sequence change replaces serine, which is neutral and polar, with phenylalanine, which is neutral and non-polar, at codon 249 of the STAC3 protein (p.Ser249Phe). This variant is present in population databases (rs760144996, gnomAD 0.006%). This variant has not been reported in the literature in individuals affected with STAC3-related conditions. ClinVar contains an entry for this variant (Variation ID: 954368). Algorithms developed to predict the effect of missense changes on protein structure and function are either unavailable or do not agree on the potential impact of this missense change (SIFT: "Deleterious"; PolyPhen-2: "Benign"; Align-GVGD: "Class C0"). In summary, the available evidence is currently insufficient to determine the role of this variant in disease. Therefore, it has been classified as a Variant of Uncertain Significance.

NM_145064.3(STAC3):c.746C>T (p.Ser249Phe)

Gene: STAC3 (SH3 and cysteine rich domain 3; minus strand). Cytogenetic location: 12q13.3.
Variant type: single nucleotide variant.
Coding change: c.746C>T on transcript NM_145064.3 (MANE Select); coding-DNA position 746, C replaced by T.
Protein change: p.Ser249Phe; replaces serine 249 with phenylalanine.
Molecular consequence: missense variant. On other transcripts: non-coding transcript variant (1).
Genome position (GRCh38, 1-based): chr12:57,244,597, G>A on the plus strand (C>T on the coding strand, the complement: STAC3 is on the minus strand). VCF-style: chr12-57244597-G-A. GRCh37 (hg19) VCF-style: chr12-57638380-G-A.
Other names: c.629C>T, p.Ser210Phe (NM_001286256.2); c.188C>T, p.Ser63Phe (NM_001286257.2); short protein forms S249F, S63F, S210F.
Identifiers: ClinVar variation 954368 (VCV000954368.7), dbSNP rs760144996, ClinGen allele CA6647009.